The following is an entry in ClinVar:

ClinVar aggregate classification (germline): Conflicting classifications of pathogenicity. Review status: criteria provided, conflicting classifications (1 of 4 stars). 3 submissions from 3 submitters: Uncertain significance (1); Likely benign (2). Last evaluated 2024-10-15.

Conditions:
Familial cancer of breast. Also called: Hereditary breast cancer; hereditary breast carcinoma; BREAST CANCER, FAMILIAL. Identifiers: Orphanet 227535, MedGen C0346153, MONDO:0016419, OMIM 114480. Disease mechanism: loss of function.
Hereditary cancer-predisposing syndrome. Also called: Neoplastic Syndromes, Hereditary; Tumor predisposition; Hereditary Cancer Syndrome; Hereditary neoplastic syndrome. Identifiers: Orphanet 140162, MedGen C0027672, MeSH D009386, MONDO:0015356.
Ataxia-telangiectasia syndrome (AT). Also called: Ataxia telangiectasia (A-T); ATAXIA-TELANGIECTASIA, COMPLEMENTATION GROUP A; ATAXIA-TELANGIECTASIA, FRESNO VARIANT; Ataxia-telangiectasia; Ataxia-telangiectasia, complementation group E; LOUIS-BAR SYNDROME. Identifiers: Orphanet 100, MedGen C0004135, MONDO:0008840, OMIM 208900.

Allele frequency attached by ClinVar (database versions not stated): gnomAD exomes below 0.00001; TOPMed 0.00001.
gnomAD v4.1: 2 of 1,613,946 alleles (0.00012%); highest among the groups gnomAD compares: Non-Finnish European, 0.00017%; no homozygotes.

Submissions (3):

Labcorp Genetics (formerly Invitae), Labcorp
Classification: Uncertain significance for Ataxia-telangiectasia syndrome. Last evaluated: 2024-10-15. Review status: criteria provided, single submitter. Criteria: Invitae Variant Classification Sherloc (09022015). Collection method: clinical testing. Allele origin: germline.
Comment: This sequence change falls in intron 55 of the ATM gene. It does not directly change the encoded amino acid sequence of the ATM protein. It affects a nucleotide within the consensus splice site. This variant is not present in population databases (gnomAD no frequency). This variant has not been reported in the literature in individuals affected with ATM-related conditions. ClinVar contains an entry for this variant (Variation ID: 1022531). Variants that disrupt the consensus splice site are a relatively common cause of aberrant splicing (PMID: 17576681, 9536098). Algorithms developed to predict the effect of sequence changes on RNA splicing suggest that this variant is not likely to affect RNA splicing. In summary, the available evidence is currently insufficient to determine the role of this variant in disease. Therefore, it has been classified as a Variant of Uncertain Significance.

Myriad Genetics, Inc.
Classification: Likely benign for Familial cancer of breast. Last evaluated: 2024-06-18. Review status: criteria provided, single submitter. Criteria: Myriad Autosomal Dominant, Autosomal Recessive and X-Linked Classification Criteria (2023). Collection method: clinical testing. Allele origin: unknown.
Comment: This variant is considered likely benign. This variant is intronic and is not expected to impact mRNA splicing.

Color Diagnostics, LLC DBA Color Health
Classification: Likely benign for Hereditary cancer-predisposing syndrome. Last evaluated: 2021-01-06. Review status: criteria provided, single submitter. Criteria: ACMG Guidelines, 2015. Collection method: clinical testing. Allele origin: germline.

Literature cited by the submitters: PubMed 17576681 (cited by Labcorp Genetics (formerly Invitae), Labcorp); PubMed 9536098 (cited by Labcorp Genetics (formerly Invitae), Labcorp).

NM_000051.4(ATM):c.8151+6C>T

Genes: ATM (ATM serine/threonine kinase; plus strand), C11orf65 (chromosome 11 open reading frame 65; minus strand). Cytogenetic location: 11q22.3.
Variant type: single nucleotide variant.
Coding change: c.8151+6C>T on transcript NM_000051.4 (MANE Select); 6 bases into the intron after coding-DNA position 8151, C replaced by T.
Molecular consequence: intron variant.
Genome position (GRCh38, 1-based): chr11:108,335,115, C>T. VCF-style: chr11-108335115-C-T. GRCh37 (hg19) VCF-style: chr11-108205842-C-T.
Other names: c.8151+6C>T (NM_001351834.2); c.641-26044G>A (NM_001330368.2); c.*38+105G>A (NM_001351110.2).
Identifiers: ClinVar variation 1022531 (VCV001022531.9), dbSNP rs910779363, ClinGen allele CA228420427.